The following is an entry in ClinVar:

ClinVar aggregate classification (germline): Uncertain significance (1 of 4 stars; one submission).

Conditions:
BBS4-related disorder. Also called: BBS4-related condition.

gnomAD v4.1: 24 of 1,613,452 alleles (0.0015%); highest among the groups gnomAD compares: East Asian, 0.0067%; no homozygotes.

Submission:

PreventionGenetics, part of Exact Sciences
Classification: Uncertain significance for BBS4-related condition. Last evaluated: 2025-11-13. Review status: criteria provided, single submitter. Criteria: ACMG Guidelines, 2015. Collection method: clinical testing. Allele origin: germline.
Comment: The BBS4 c.142T>G variant is predicted to result in the amino acid substitution p.Tyr48Asp. To our knowledge, this variant has not been reported in the literature. This variant is reported in 0.0050% of alleles in individuals of East Asian descent in gnomAD. At this time, the clinical significance of this variant is uncertain due to the absence of conclusive functional and genetic evidence.

NM_033028.5(BBS4):c.142T>G (p.Tyr48Asp)

Gene: BBS4 (Bardet-Biedl syndrome 4; plus strand). Cytogenetic location: 15q24.1.
Variant type: single nucleotide variant.
Coding change: c.142T>G on transcript NM_033028.5 (MANE Select); coding-DNA position 142, T replaced by G.
Protein change: p.Tyr48Asp; replaces tyrosine 48 with aspartic acid.
Molecular consequence: missense variant. On other transcripts: 5 prime UTR variant (1), non-coding transcript variant (2).
Genome position (GRCh38, 1-based): chr15:72,709,765, T>G. VCF-style: chr15-72709765-T-G. GRCh37 (hg19) VCF-style: chr15-73002106-T-G.
Other names: c.-380T>G (NM_001252678.2); c.142T>G, p.Tyr48Asp (NM_001320665.2); short protein forms Y48D.
Identifiers: ClinVar variation 3356329 (VCV003356329.2).